The following is an entry in ClinVar:

ClinVar aggregate classification (germline): Likely pathogenic (1 of 4 stars; one submission).

Conditions:
Hereditary cancer-predisposing syndrome. Also called: Neoplastic Syndromes, Hereditary; Tumor predisposition; Hereditary Cancer Syndrome; Hereditary neoplastic syndrome. Identifiers: Orphanet 140162, MedGen C0027672, MeSH D009386, MONDO:0015356.

Submission:

Ambry Genetics
Classification: Likely pathogenic for Hereditary cancer-predisposing syndrome. Last evaluated: 2020-08-07. Review status: criteria provided, single submitter. Criteria: Ambry Variant Classification Scheme 2023. Collection method: clinical testing. Allele origin: germline.
Comment: The c.171+2T>A intronic variant results from a T to A substitution two nucleotides after coding exon 3 in the MAX gene. This variant was not reported in population-based cohorts in the Genome Aggregation Database (gnomAD). This nucleotide position is highly conserved in available vertebrate species. In silico splice site analysis predicts that this alteration will weaken the native splice donor site. Alterations that disrupt the canonical splice site are expected to cause aberrant splicing, resulting in an abnormal protein or a transcript that is subject to nonsense-mediated mRNA decay. As such, this alteration is classified as likely pathogenic.

NM_002382.5(MAX):c.171+2T>A

Genes: MAX-AS1 (MAX antisense RNA 1; plus strand), MAX (MYC associated transcriptional regulator X; minus strand). Cytogenetic location: 14q23.3.
Variant type: single nucleotide variant.
Coding change: c.171+2T>A on transcript NM_002382.5 (MANE Select); the canonical splice donor site of the intron after coding-DNA position 171, T replaced by A.
Molecular consequence: splice donor variant. On other transcripts: non-coding transcript variant (1), intron variant (1).
Genome position (GRCh38, 1-based): chr14:65,093,706, A>T on the plus strand (T>A on the coding strand, the complement: MAX is on the minus strand). VCF-style: chr14-65093706-A-T. GRCh37 (hg19) VCF-style: chr14-65560424-A-T.
Other names: c.144+2T>A (NM_001271069.2, NM_001407095.1, NM_001407110.1 and 9 more transcripts); c.171+2T>A (NM_197957.4, NM_001407094.1, NM_001407104.1 and 5 more transcripts); c.-197+2T>A (NM_001407112.1, NM_001407111.1); c.-104+2T>A (NM_001407106.1, NM_001407107.1, NM_001320415.2 and 1 more transcripts); c.63+7840T>A (NM_001407098.1); c.194+2T>A (NM_001407114.1).
Identifiers: ClinVar variation 186517 (VCV000186517.5), dbSNP rs786203009, ClinGen allele CA195070.